The following is an entry in ClinVar:

ClinVar aggregate classification (germline): Pathogenic (1 of 4 stars; one submission).

Allele frequency attached by ClinVar (database versions not stated): TOPMed 0.00001; ExAC 0.00003; gnomAD exomes 0.00004.
gnomAD v4.1: 26 of 1,613,898 alleles (0.0016%); highest among the groups gnomAD compares: East Asian, 0.058%; no homozygotes.

Submission:

Labcorp Genetics (formerly Invitae), Labcorp
Classification: Pathogenic. Last evaluated: 2023-12-14. Review status: criteria provided, single submitter. Criteria: Invitae Variant Classification Sherloc (09022015). Collection method: clinical testing. Allele origin: germline.
Comment: This sequence change replaces lysine, which is basic and polar, with arginine, which is basic and polar, at codon 961 of the ABCC2 protein (p.Lys961Arg). This variant is present in population databases (rs774987234, gnomAD 0.02%). This missense change has been observed in individual(s) with Dubin-Johnson syndrome (PMID: 26858187, 34150028). In at least one individual the data is consistent with being in trans (on the opposite chromosome) from a pathogenic variant. An algorithm developed to predict the effect of missense changes on protein structure and function (PolyPhen-2) suggests that this variant is likely to be tolerated. Algorithms developed to predict the effect of sequence changes on RNA splicing suggest that this variant may disrupt the consensus splice site. For these reasons, this variant has been classified as Pathogenic.

Literature cited by the submitters: PubMed 26858187; PubMed 34150028.

NM_000392.5(ABCC2):c.2882A>G (p.Lys961Arg)

Genes: ABCC2 (ATP binding cassette subfamily C member 2; plus strand), LOC126861012 (BRD4-independent group 4 enhancer GRCh37_chr10:101589748-101590947; plus strand). Cytogenetic location: 10q24.2.
Variant type: single nucleotide variant.
Coding change: c.2882A>G on transcript NM_000392.5 (MANE Select); coding-DNA position 2882, A replaced by G.
Protein change: p.Lys961Arg; replaces lysine 961 with arginine.
Molecular consequence: missense variant.
Genome position (GRCh38, 1-based): chr10:99,830,850, A>G. VCF-style: chr10-99830850-A-G. GRCh37 (hg19) VCF-style: chr10-101590607-A-G.
Other names: short protein forms K961R.
Identifiers: ClinVar variation 2910251 (VCV002910251.4), dbSNP rs774987234, ClinGen allele CA5643621.